The following is an entry in ClinVar:

ClinVar aggregate classification (germline): Uncertain significance (1 of 4 stars; one submission).

Conditions:
Kaya-Barakat-Masson syndrome. Also called: YIF1B-Related Neurodevelopmental Disorder. Identifiers: Orphanet 684240, MedGen C5436856, MONDO:0030878, OMIM 619125.

Submission:

Juno Genomics, Hangzhou Juno Genomics, Inc
Classification: Uncertain significance for Kaya-Barakat-Masson syndrome. Review status: criteria provided, single submitter. Criteria: ACMG Guidelines, 2015. Collection method: clinical testing. Allele origin: germline.
Comment: Absent from controls (or at extremely low frequency if recessive) in Genome Aggregation Database.;Multiple lines of computational evidence support a deleterious effect on the gene or gene product.

NM_001039672.3(YIF1B):c.58+5G>A

Genes: YIF1B (Yip1 interacting factor homolog B, membrane trafficking protein; minus strand), LOC130064343 (ATAC-STARR-seq lymphoblastoid silent region 10566; plus strand). Cytogenetic location: 19q13.2.
Variant type: single nucleotide variant.
Coding change: c.58+5G>A on transcript NM_001039672.3 (MANE Select); 5 bases into the intron after coding-DNA position 58, G replaced by A.
Molecular consequence: intron variant.
Genome position (GRCh38, 1-based): chr19:38,315,855, C>T on the plus strand (G>A on the coding strand, the complement: YIF1B is on the minus strand). VCF-style: chr19-38315855-C-T. GRCh37 (hg19) VCF-style: chr19-38806495-C-T.
Other names: c.49+14G>A (NM_001039673.3, NM_001145463.2).
Identifiers: ClinVar variation 5005974 (VCV005005974.2).
Genomic context (GRCh38, chr19:38,315,855, plus strand): 5'-TCGCCAACCGACGCGGCCGCCCCGCCACGCCCCCGCCCGCCCGATCTCCTCCGCCGGCCA[C>T]GTACGCCACTTACGCAGCCGGGGCGTCCCCGCAGCCGCCGCCGCCAAGCCTGCCGGGTGC-3'